The following is an entry in ClinVar:

NM_001130987.2(DYSF):c.5750T>C (p.Leu1917Pro)

Gene: DYSF (dysferlin; plus strand). Cytogenetic location: 2p13.2.
Variant type: single nucleotide variant.
Coding change: c.5750T>C on transcript NM_001130987.2 (MANE Select); coding-DNA position 5750, T replaced by C.
Protein change: p.Leu1917Pro; replaces leucine 1917 with proline.
Molecular consequence: missense variant.
Genome position (GRCh38, 1-based): chr2:71,669,712, T>C. VCF-style: chr2-71669712-T-C. GRCh37 (hg19) VCF-style: chr2-71896842-T-C.
Other names: c.5636T>C, p.Leu1879Pro (NM_001130455.2); c.5591T>C, p.Leu1864Pro (NM_001130976.2); c.5654T>C, p.Leu1885Pro (NM_001130977.2); c.5696T>C, p.Leu1899Pro (NM_001130978.2); c.5726T>C, p.Leu1909Pro (NM_001130979.2); c.5684T>C, p.Leu1895Pro (NM_001130980.2); c.5747T>C, p.Leu1916Pro (NM_001130981.2); c.5729T>C, p.Leu1910Pro (NM_001130982.2); and 5 more; short protein forms L1864P, L1865P, L1878P, L1879P, L1885P, L1886P, L1895P, L1896P.
Identifiers: ClinVar variation 3896855 (VCV003896855.1).

ClinVar aggregate classification (germline): Uncertain significance (1 of 4 stars; one submission).

Conditions:
Autosomal recessive limb-girdle muscular dystrophy type 2B (LGMDR2). Also called: MUSCULAR DYSTROPHY, LIMB-GIRDLE, AUTOSOMAL RECESSIVE 2; MUSCULAR DYSTROPHY, LIMB-GIRDLE, TYPE 3; Limb-girdle muscular dystrophy, type 2B; Limb-Girdle Muscular Dystrophy Type 2B (LGMD2B). Identifiers: Orphanet 268, MedGen C1850889, MONDO:0009676, OMIM 253601.

Submission:

Kariminejad - Najmabadi Pathology & Genetics Center
Classification: Uncertain significance for Autosomal recessive limb-girdle muscular dystrophy type 2B. Last evaluated: 2023-02-12. Review status: criteria provided, single submitter. Criteria: ACMG Guidelines, 2015. Collection method: clinical testing. Allele origin: germline. Inheritance: Autosomal recessive inheritance. Affected: yes.
Comment: PM2,PP3_Moderate